The following is an entry in ClinVar:

NM_002739.5(PRKCG):c.220C>A (p.His74Asn)

Gene: PRKCG (protein kinase C gamma; plus strand). Cytogenetic location: 19q13.42.
Variant type: single nucleotide variant.
Coding change: c.220C>A on transcript NM_002739.5 (MANE Select); coding-DNA position 220, C replaced by A.
Protein change: p.His74Asn; replaces histidine 74 with asparagine.
Molecular consequence: missense variant.
Genome position (GRCh38, 1-based): chr19:53,884,178, C>A. VCF-style: chr19-53884178-C-A. GRCh37 (hg19) VCF-style: chr19-54387432-C-A.
Other names: c.220C>A, p.His74Asn (NM_001316329.2); c.220C>A (NM_002739.4); short protein forms H74N.
Identifiers: ClinVar variation 3584067 (VCV003584067.3).
Genomic context (GRCh38, chr19:53,884,178, plus strand): 5'-TAATCCATGCCTCCGTCTGTGTCTCTATGATTTTCATCTATAGTCTGCAGCTTTGTGGTT[C>A]ATCGACGATGCCACGAATTTGTGACCTTCGAGTGTCCAGGCGCTGGGAAGGGCCCCCAGA-3'
Protein context (NP_002730.1, residues 64-84): LQCQVCSFVV[His74Asn]RRCHEFVTFE

ClinVar aggregate classification (germline): Likely pathogenic. Review status: criteria provided, multiple submitters, no conflicts (2 of 4 stars). 2 submissions from 2 submitters: Likely pathogenic (2). Last evaluated 2024-10-04.

Conditions:
Spinocerebellar ataxia type 14 (SCA14). Identifiers: Orphanet 98763, MedGen C1854369, MONDO:0011540, OMIM 605361.

Submissions (2):

Genetic Services Laboratory, University of Chicago
Classification: Likely pathogenic. Last evaluated: 2024-10-04. Review status: criteria provided, single submitter. Criteria: ACMG Guidelines, 2015. Collection method: clinical testing. Allele origin: germline. Affected: yes.
Comment: DNA sequence analysis of the PRKCG gene demonstrated a sequence change, c.220C>A, in exon 3 that results in an amino acid change, p.His74Asn. The p.His74Asn change affects a highly conserved amino acid residue located in a domain of the PRKCG protein that is known to be functional. In-silico pathogenicity prediction tools (SIFT, PolyPhen2, Align GVGD, REVEL) provide contradictory results for the p.His74Asn substitution. This sequence change has not been described in population databases such as ExAC and gnomAD. This sequence change has been described in an individual with spinocerebellar ataxia (PMID: 33163565). A different sequence change affecting the same amino acid residue (p.His74Tyr) has been described in a family with ataxia (PMID: 32816195). These collective evidences indicate that this sequence change is likely pathogenic, however functional studies have not been performed to prove this conclusively.

Fulgent Genetics
Classification: Likely pathogenic for Spinocerebellar ataxia type 14. Last evaluated: 2024-03-05. Review status: criteria provided, single submitter. Criteria: ACMG Guidelines, 2015. Collection method: clinical testing. Allele origin: germline.